The following is an entry in ClinVar:

ClinVar aggregate classification (germline): Uncertain significance. Review status: criteria provided, multiple submitters, no conflicts (2 of 4 stars). 2 submissions from 2 submitters: Uncertain significance (2). Last evaluated 2024-12-23.

Allele frequency attached by ClinVar (database versions not stated): gnomAD 0.00013 and 0.00014; gnomAD exomes 0.00002 and 0.00004; ExAC 0.00002.
gnomAD v4.1: 49 of 1,612,752 alleles (0.003%); highest among the groups gnomAD compares: African/African-American, 0.033%; no homozygotes.

Submissions (2):

Labcorp Genetics (formerly Invitae), Labcorp
Classification: Uncertain significance. Last evaluated: 2024-12-23. Review status: criteria provided, single submitter. Criteria: Invitae Variant Classification Sherloc (09022015). Collection method: clinical testing. Allele origin: germline.
Comment: This sequence change replaces glycine, which is neutral and non-polar, with arginine, which is basic and polar, at codon 170 of the GNMT protein (p.Gly170Arg). This variant is present in population databases (rs770519701, gnomAD 0.02%). This variant has not been reported in the literature in individuals affected with GNMT-related conditions. ClinVar contains an entry for this variant (Variation ID: 860853). Invitae Evidence Modeling of protein sequence and biophysical properties (such as structural, functional, and spatial information, amino acid conservation, physicochemical variation, residue mobility, and thermodynamic stability) has been performed for this missense variant. However, the output from this modeling did not meet the statistical confidence thresholds required to predict the impact of this variant on GNMT protein function. In summary, the available evidence is currently insufficient to determine the role of this variant in disease. Therefore, it has been classified as a Variant of Uncertain Significance.

Ambry Genetics
Classification: Uncertain significance. Last evaluated: 2021-07-26. Review status: criteria provided, single submitter. Criteria: Ambry Variant Classification Scheme 2023. Collection method: clinical testing. Allele origin: germline.

NM_018960.6(GNMT):c.508G>C (p.Gly170Arg)

Genes: CNPY3-GNMT (CNPY3-GNMT readthrough; plus strand), GNMT (glycine N-methyltransferase; plus strand). Cytogenetic location: 6p21.1.
Variant type: single nucleotide variant.
Coding change: c.508G>C on transcript NM_018960.6 (MANE Select); coding-DNA position 508, G replaced by C.
Protein change: p.Gly170Arg; replaces glycine 170 with arginine.
Molecular consequence: missense variant. On other transcripts: intron variant (1), splice acceptor variant (1).
Genome position (GRCh38, 1-based): chr6:42,963,128, G>C. VCF-style: chr6-42963128-G-C. GRCh37 (hg19) VCF-style: chr6-42930866-G-C.
Other names: c.310G>C, p.Gly104Arg (NM_001318856.2); c.325G>C, p.Gly109Arg (NM_001318857.2); c.269-52G>C (NM_001318858.2); c.452-1G>C (NM_001318865.2); short protein forms G104R, G170R, G109R.
Identifiers: ClinVar variation 860853 (VCV000860853.10), dbSNP rs770519701, ClinGen allele CA3810723.
Genomic context (GRCh38, chr6:42,963,128, plus strand): 5'-TCAGGGGACCAGAGTGAGCACCGGCTGGCGCTGAAAAACATTGCGAGCATGGTGCGGGCA[G>C]GGGGCCTACTGGTCATTGATCATCGCAACTACGACCACATCCTCAGTACAGGCTGTGCAC-3'
Protein context (NP_061833.1, residues 160-180): LKNIASMVRA[Gly170Arg]GLLVIDHRNY